The following is an entry in ClinVar:

ClinVar aggregate classification (germline): Conflicting classifications of pathogenicity. Review status: criteria provided, conflicting classifications (1 of 4 stars). 2 submissions from 2 submitters: Uncertain significance (1); Likely benign (1). Last evaluated 2022-10-17.

Allele frequency attached by ClinVar (database versions not stated): gnomAD 0.00002 and 0.00003; gnomAD exomes 0.00002 and 0.00003; TOPMed 0.00005.
gnomAD v4.1: 17 of 1,610,440 alleles (0.0011%); highest among the groups gnomAD compares: Admixed American, 0.02%; no homozygotes.

Submissions (2):

Labcorp Genetics (formerly Invitae), Labcorp
Classification: Uncertain significance. Last evaluated: 2022-10-17. Review status: criteria provided, single submitter. Criteria: Invitae Variant Classification Sherloc (09022015). Collection method: clinical testing. Allele origin: germline.
Comment: This sequence change falls in intron 3 of the TRPM1 gene. It does not directly change the encoded amino acid sequence of the TRPM1 protein. This variant is present in population databases (no rsID available, gnomAD 0.02%). This variant has not been reported in the literature in individuals affected with TRPM1-related conditions. ClinVar contains an entry for this variant (Variation ID: 939364). Algorithms developed to predict the effect of sequence changes on RNA splicing suggest that this variant may disrupt the consensus splice site. In summary, the available evidence is currently insufficient to determine the role of this variant in disease. Therefore, it has been classified as a Variant of Uncertain Significance.

Blueprint Genetics
Classification: Likely benign. Last evaluated: 2022-09-01. Review status: criteria provided, single submitter. Criteria: ACMG Guidelines, 2015. Collection method: clinical testing. Allele origin: germline.

NM_001252024.2(TRPM1):c.280-10T>A

Gene: TRPM1 (transient receptor potential cation channel subfamily M member 1; minus strand). Cytogenetic location: 15q13.3.
Variant type: single nucleotide variant.
Coding change: c.280-10T>A on transcript NM_001252024.2 (MANE Select); 10 bases into the intron before coding-DNA position 280, T replaced by A.
Molecular consequence: intron variant.
Genome position (GRCh38, 1-based): chr15:31,068,102, A>T on the plus strand (T>A on the coding strand, the complement: TRPM1 is on the minus strand). VCF-style: chr15-31068102-A-T. GRCh37 (hg19) VCF-style: chr15-31360305-A-T.
Other names: c.331-10T>A (NM_001252020.2); c.214-10T>A (NM_002420.6).
Identifiers: ClinVar variation 939364 (VCV000939364.6), dbSNP rs917580007, ClinGen allele CA267500471.